The following is an entry in ClinVar:

ClinVar aggregate classification (germline): Uncertain significance (1 of 4 stars; one submission).

Conditions:
Genitopatellar syndrome (GTPTS). Also called: ABSENT PATELLAE, SCROTAL HYPOPLASIA, RENAL ANOMALIES, FACIAL DYSMORPHISM, AND MENTAL RETARDATION; Genitopatellar syndrome (GPS). Identifiers: Orphanet 85201, MedGen C1853566, MONDO:0011640, OMIM 606170.

gnomAD v4.1: 2 of 1,614,122 alleles (0.00012%); highest among the groups gnomAD compares: African/African-American, 0.0027%; no homozygotes.

Submission:

Labcorp Genetics (formerly Invitae), Labcorp
Classification: Uncertain significance for Genitopatellar syndrome. Last evaluated: 2025-11-12. Review status: criteria provided, single submitter. Criteria: Invitae Variant Classification Sherloc (09022015). Collection method: clinical testing. Allele origin: germline.
Comment: This sequence change replaces glutamic acid, which is acidic and polar, with aspartic acid, which is acidic and polar, at codon 1398 of the KAT6B protein (p.Glu1398Asp). This variant is not present in population databases (gnomAD no frequency). This variant has not been reported in the literature in individuals affected with KAT6B-related conditions. Invitae Evidence Modeling of protein sequence and biophysical properties (such as structural, functional, and spatial information, amino acid conservation, physicochemical variation, residue mobility, and thermodynamic stability) indicates that this missense variant is not expected to disrupt KAT6B protein function with a negative predictive value of 80%. In summary, the available evidence is currently insufficient to determine the role of this variant in disease. Therefore, it has been classified as a Variant of Uncertain Significance.

NM_012330.4(KAT6B):c.4194A>C (p.Glu1398Asp)

Gene: KAT6B (lysine acetyltransferase 6B; plus strand). Cytogenetic location: 10q22.2.
Variant type: single nucleotide variant.
Coding change: c.4194A>C on transcript NM_012330.4 (MANE Select); coding-DNA position 4194, A replaced by C.
Protein change: p.Glu1398Asp; replaces glutamic acid 1398 with aspartic acid.
Molecular consequence: missense variant.
Genome position (GRCh38, 1-based): chr10:75,029,018, A>C. VCF-style: chr10-75029018-A-C. GRCh37 (hg19) VCF-style: chr10-76788776-A-C.
Other names: c.3645A>C, p.Glu1215Asp (NM_001256468.2, NM_001370138.1); c.3318A>C, p.Glu1106Asp (NM_001256469.2, NM_001370139.1, NM_001370140.1 and 2 more transcripts); c.3156A>C, p.Glu1052Asp (NM_001370132.1); c.2505A>C, p.Glu835Asp (NM_001370133.1); c.2109A>C, p.Glu703Asp (NM_001370134.1); c.1851A>C, p.Glu617Asp (NM_001370135.1); c.4194A>C, p.Glu1398Asp (NM_001370136.1, NM_001370137.1); c.3129A>C, p.Glu1043Asp (NM_001370143.1, NM_001370144.1); short protein forms E1052D, E1215D, E703D, E835D, E1043D, E1106D, E1398D, E617D.
Identifiers: ClinVar variation 4703099 (VCV004703099.1).